The following is an entry in ClinVar:

ClinVar aggregate classification (germline): Conflicting classifications of pathogenicity. Review status: criteria provided, conflicting classifications (1 of 4 stars). 2 submissions from 2 submitters: Uncertain significance (1); Likely benign (1). Last evaluated 2025-04-03.

Conditions:
Familial focal epilepsy with variable foci (FPEVF). Identifiers: Orphanet 98820, MedGen C1858477, MONDO:0020310.
Inborn genetic diseases. Identifiers: MedGen C0950123, MeSH D030342.

Allele frequency attached by ClinVar (database versions not stated): ExAC 0.00001; gnomAD exomes 0.00001; TOPMed 0.00001.
gnomAD v4.1: 13 of 1,613,926 alleles (0.00081%); highest among the groups gnomAD compares: Admixed American, 0.005%; no homozygotes.

Submissions (2):

Ambry Genetics
Classification: Likely benign for Inborn genetic diseases. Last evaluated: 2025-04-03. Review status: criteria provided, single submitter. Criteria: Ambry Variant Classification Scheme 2023. Collection method: clinical testing. Allele origin: germline.

Labcorp Genetics (formerly Invitae), Labcorp
Classification: Uncertain significance for Familial focal epilepsy with variable foci. Last evaluated: 2024-12-25. Review status: criteria provided, single submitter. Criteria: Invitae Variant Classification Sherloc (09022015). Collection method: clinical testing. Allele origin: germline.
Comment: This sequence change replaces arginine, which is basic and polar, with glutamine, which is neutral and polar, at codon 1526 of the DEPDC5 protein (p.Arg1526Gln). This variant is present in population databases (rs760341957, gnomAD 0.009%). This variant has not been reported in the literature in individuals affected with DEPDC5-related conditions. ClinVar contains an entry for this variant (Variation ID: 1509364). Experimental studies and prediction algorithms are not available or were not evaluated, and the functional significance of this variant is currently unknown. In summary, the available evidence is currently insufficient to determine the role of this variant in disease. Therefore, it has been classified as a Variant of Uncertain Significance.

NM_001242896.3(DEPDC5):c.4577G>A (p.Arg1526Gln)

Gene: DEPDC5 (DEP domain containing 5, GATOR1 subcomplex subunit; plus strand). Cytogenetic location: 22q12.3.
Variant type: single nucleotide variant.
Coding change: c.4577G>A on transcript NM_001242896.3 (MANE Select); coding-DNA position 4577, G replaced by A.
Protein change: p.Arg1526Gln; replaces arginine 1526 with glutamine.
Molecular consequence: missense variant. On other transcripts: non-coding transcript variant (5).
Genome position (GRCh38, 1-based): chr22:31,906,262, G>A. VCF-style: chr22-31906262-G-A. GRCh37 (hg19) VCF-style: chr22-32302248-G-A.
Other names: c.4577G>A (NM_001242896.1); c.4550G>A, p.Arg1517Gln (NM_001136029.4); c.4277G>A, p.Arg1426Gln (NM_001242897.2); c.4511G>A, p.Arg1504Gln (NM_001363852.2, NM_001364320.2); c.4343G>A, p.Arg1448Gln (NM_001363854.2, NM_001364319.2); c.4577G>A, p.Arg1526Gln (NM_001364318.2); c.4493G>A, p.Arg1498Gln (NM_001369901.1, NM_001369902.1); c.4484G>A, p.Arg1495Gln (NM_001369903.1, NM_014662.6); short protein forms R1448Q, R1495Q, R1498Q, R1517Q, R1426Q, R1504Q, R1526Q.
Identifiers: ClinVar variation 1509364 (VCV001509364.7), dbSNP rs760341957, ClinGen allele CA10197290.